The following is an entry in ClinVar:

NM_003738.5(PTCH2):c.321G>A (p.Glu107=)

Gene: PTCH2 (patched 2; minus strand). Cytogenetic location: 1p34.1.
Variant type: single nucleotide variant.
Coding change: c.321G>A on transcript NM_003738.5 (MANE Select); coding-DNA position 321, G replaced by A.
Protein change: p.Glu107=; no amino-acid change (glutamic acid 107 retained).
Molecular consequence: synonymous variant.
Genome position (GRCh38, 1-based): chr1:44,832,286, C>T on the plus strand (G>A on the coding strand, the complement: PTCH2 is on the minus strand). VCF-style: chr1-44832286-C-T. GRCh37 (hg19) VCF-style: chr1-45297958-C-T.
Other names: c.321G>A, p.Glu107= (NM_001166292.2); c.321G>A (NM_003738.4).
Identifiers: ClinVar variation 1543176 (VCV001543176.10), dbSNP rs143348731, ClinGen allele CA823668.

ClinVar aggregate classification (germline): Benign. Review status: criteria provided, single submitter (1 of 4 stars). 2 submissions from 2 submitters: Benign (1). 1 of the submissions does not count toward it. Last evaluated 2025-10-20.

Conditions:
PTCH2-related disorder. Also called: PTCH2-related condition; PTCH2-related disease.
Gorlin syndrome. Also called: Basal cell nevus syndrome; Nevoid Basal Cell Carcinoma Syndrome. Identifiers: Orphanet 377, MedGen C0004779, MONDO:0007187.

Allele frequency attached by ClinVar (database versions not stated): gnomAD exomes 0.00004 and 0.00012; ExAC 0.00016; ESP Exome Variant Server 0.00038; gnomAD 0.00048 and 0.00052; TOPMed 0.00065; 1000 Genomes Project 30x 0.00078; 1000 Genomes Project 0.00080.
gnomAD v4.1: 130 of 1,614,238 alleles (0.0081%); highest among the groups gnomAD compares: African/African-American, 0.15%; no homozygotes.

Submissions (2):

Labcorp Genetics (formerly Invitae), Labcorp
Classification: Benign for Gorlin syndrome. Last evaluated: 2025-10-20. Review status: criteria provided, single submitter. Criteria: Invitae Variant Classification Sherloc (09022015). Collection method: clinical testing. Allele origin: germline.

PreventionGenetics, part of Exact Sciences
Classification: Likely benign for PTCH2-related condition. Last evaluated: 2021-12-31. Review status: no assertion criteria provided. Collection method: clinical testing. Allele origin: germline. Not counted in ClinVar's aggregate classification.
Comment: This variant is classified as likely benign based on ACMG/AMP sequence variant interpretation guidelines (Richards et al. 2015 PMID: 25741868, with internal and published modifications).